The following is an entry in ClinVar:

ClinVar aggregate classification (germline): Benign/Likely benign. Review status: criteria provided, multiple submitters, no conflicts (2 of 4 stars). 5 submissions from 5 submitters: Benign (1); Likely benign (4). Last evaluated 2026-01-18.

Conditions:
Hereditary cancer-predisposing syndrome. Also called: Tumor predisposition; Neoplastic Syndromes, Hereditary; Hereditary Cancer Syndrome; Hereditary neoplastic syndrome. Identifiers: Orphanet 140162, MedGen C0027672, MeSH D009386, MONDO:0015356.
Multiple endocrine neoplasia, type 2 (MEN2). Identifiers: Orphanet 653, MedGen C4048306, MONDO:0019003. Disease mechanism: gain of function.
Multiple endocrine neoplasia type 2A. Also called: Multiple Endocrine Neoplasia Type 2A (MEN2A); MULTIPLE ENDOCRINE NEOPLASIA, TYPE IIA; PTC SYNDROME; SIPPLE SYNDROME; MEN 2A; MEN-2A syndrome. Identifiers: Orphanet 247698, Orphanet 653, MedGen C0025268, MeSH D018813, MONDO:0008234, OMIM 171400.

Allele frequency attached by ClinVar (database versions not stated): gnomAD exomes below 0.00001; gnomAD 0.00001; TOPMed 0.00001.
gnomAD v4.1: 5 of 1,609,774 alleles (0.00031%); highest among the groups gnomAD compares: African/African-American, 0.0013%; no homozygotes.

Submissions (5):

Labcorp Genetics (formerly Invitae), Labcorp
Classification: Likely benign for Multiple endocrine neoplasia, type 2. Last evaluated: 2026-01-18. Review status: criteria provided, single submitter. Criteria: Invitae Variant Classification Sherloc (09022015). Collection method: clinical testing. Allele origin: germline.

Myriad Genetics, Inc.
Classification: Benign for Multiple endocrine neoplasia type 2A. Last evaluated: 2025-02-26. Review status: criteria provided, single submitter. Criteria: Myriad Autosomal Dominant, Autosomal Recessive and X-Linked Classification Criteria (2023). Collection method: clinical testing. Allele origin: unknown.
Comment: This variant is considered benign. This variant is a silent/synonymous amino acid change and it is not expected to impact splicing.

All of Us Research Program, National Institutes of Health
Classification: Likely benign for Multiple endocrine neoplasia, type 2. Last evaluated: 2024-05-14. Review status: criteria provided, single submitter. Criteria: ACMG Guidelines, 2015. Collection method: clinical testing. Allele origin: germline. Inheritance: Autosomal dominant inheritance. Observed: 2 variant alleles, 2 heterozygotes.
Comment: This study involves interpretation of variants in research participants for the purpose of population health screening. Participant phenotype was not available at the time of variant classification. Additional details can be found in publication PMID: 35346344, PMCID: PMC8962531

CeGaT Center for Human Genetics Tuebingen
Classification: Likely benign. Last evaluated: 2021-02-01. Review status: criteria provided, single submitter. Criteria: CeGaT Center For Human Genetics Tuebingen Variant Classification Criteria Version 2. Collection method: clinical testing. Allele origin: germline. Affected: yes. Observed: 1 variant allele.

Ambry Genetics
Classification: Likely benign for Hereditary cancer-predisposing syndrome. Last evaluated: 2020-11-10. Review status: criteria provided, single submitter. Criteria: Ambry Variant Classification Scheme 2023. Collection method: clinical testing. Allele origin: germline.

NM_020975.6(RET):c.1782C>T (p.His594=)

Gene: RET (ret proto-oncogene; plus strand). Cytogenetic location: 10q11.21.
Variant type: single nucleotide variant.
Coding change: c.1782C>T on transcript NM_020975.6 (MANE Select); coding-DNA position 1782, C replaced by T.
Protein change: p.His594=; no amino-acid change (histidine 594 retained).
Molecular consequence: synonymous variant. On other transcripts: intron variant (2).
Genome position (GRCh38, 1-based): chr10:43,113,578, C>T. VCF-style: chr10-43113578-C-T. GRCh37 (hg19) VCF-style: chr10-43609026-C-T.
Other names: c.1782C>T, p.His594= (NM_000323.2, NM_001406743.1, NM_001406744.1 and 6 more transcripts); c.1020C>T, p.His340= (NM_001355216.2); c.1653C>T, p.His551= (NM_001406761.1, NM_001406762.1, NM_001406764.1 and 1 more transcripts); c.1494C>T, p.His498= (NM_001406766.1, NM_001406767.1, NM_001406770.1); c.1386C>T, p.His462= (NM_001406769.1, NM_001406772.1); c.1344C>T, p.His448= (NM_001406771.1, NM_001406773.1); c.1257C>T, p.His419= (NM_001406774.1); c.1056C>T, p.His352= (NM_001406775.1, NM_001406776.1, NM_001406777.1 and 1 more transcripts); and 7 more.
Identifiers: ClinVar variation 215908 (VCV000215908.51), dbSNP rs863224426, ClinGen allele CA339382.